The following is an entry in ClinVar:

ClinVar aggregate classification (germline): Uncertain significance (1 of 4 stars; one submission).

Allele frequency attached by ClinVar (database versions not stated): gnomAD exomes below 0.00001.
gnomAD v4.1: 19 of 1,613,788 alleles (0.0012%); highest among the groups gnomAD compares: Admixed American, 0.0017%; no homozygotes.

Submission:

Labcorp Genetics (formerly Invitae), Labcorp
Classification: Uncertain significance. Last evaluated: 2024-11-05. Review status: criteria provided, single submitter. Criteria: Invitae Variant Classification Sherloc (09022015). Collection method: clinical testing. Allele origin: germline.
Comment: This sequence change replaces alanine, which is neutral and non-polar, with valine, which is neutral and non-polar, at codon 227 of the DNAJC17 protein (p.Ala227Val). This variant is present in population databases (no rsID available, gnomAD 0.003%). This variant has not been reported in the literature in individuals affected with DNAJC17-related conditions. ClinVar contains an entry for this variant (Variation ID: 1429401). An algorithm developed to predict the effect of missense changes on protein structure and function (PolyPhen-2) suggests that this variant is likely to be disruptive. In summary, the available evidence is currently insufficient to determine the role of this variant in disease. Therefore, it has been classified as a Variant of Uncertain Significance.

NM_018163.3(DNAJC17):c.680C>T (p.Ala227Val)

Gene: DNAJC17 (DnaJ heat shock protein family (Hsp40) member C17; minus strand). Cytogenetic location: 15q15.1.
Variant type: single nucleotide variant.
Coding change: c.680C>T on transcript NM_018163.3 (MANE Select); coding-DNA position 680, C replaced by T.
Protein change: p.Ala227Val; replaces alanine 227 with valine.
Molecular consequence: missense variant.
Genome position (GRCh38, 1-based): chr15:40,774,357, G>A on the plus strand (C>T on the coding strand, the complement: DNAJC17 is on the minus strand). VCF-style: chr15-40774357-G-A. GRCh37 (hg19) VCF-style: chr15-41066555-G-A.
Other names: short protein forms A227V.
Identifiers: ClinVar variation 1429401 (VCV001429401.7), dbSNP rs1368283580, ClinGen allele CA391762363.
Genomic context (GRCh38, chr15:40,774,357, plus strand): 5'-GGTCCCTGCCCTAGAATGACAGGGCCACGAGGGGCCCCCAAGCCTCATGCAGCACTCACC[G>A]CTGCCTTGACGGTTGCAAACTCCACCACAGCAGTGCCTGGCTTCTTACTGGAAAGCACCA-3'
Protein context (NP_060633.1, residues 217-237): AVVEFATVKA[Ala227Val]ELAVQNEVGL